The following is an entry in ClinVar:

NM_020812.4(DOCK6):c.3719G>A (p.Arg1240His)

Genes: DOCK6 (dedicator of cytokinesis 6; minus strand), DOCK6-AS1 (DOCK6 antisense RNA 1; plus strand). Cytogenetic location: 19p13.2.
Variant type: single nucleotide variant.
Coding change: c.3719G>A on transcript NM_020812.4 (MANE Select); coding-DNA position 3719, G replaced by A.
Protein change: p.Arg1240His; replaces arginine 1240 with histidine.
Molecular consequence: missense variant.
Genome position (GRCh38, 1-based): chr19:11,217,089, C>T on the plus strand (G>A on the coding strand, the complement: DOCK6 is on the minus strand). VCF-style: chr19-11217089-C-T. GRCh37 (hg19) VCF-style: chr19-11327765-C-T.
Other names: c.3824G>A, p.Arg1275His (NM_001367830.1); c.3719G>A (NM_020812.2); short protein forms R1240H, R1275H.
Identifiers: ClinVar variation 2629159 (VCV002629159.6), dbSNP rs375343165, ClinGen allele CA9207144.

ClinVar aggregate classification (germline): Uncertain significance. Review status: criteria provided, multiple submitters, no conflicts (2 of 4 stars). 4 submissions from 4 submitters: Uncertain significance (3). 1 of the submissions does not count toward it. Last evaluated 2025-01-02.

Conditions:
Inborn genetic diseases. Identifiers: MedGen C0950123, MeSH D030342.
DOCK6-related disorder. Also called: DOCK6-related condition.

Allele frequency attached by ClinVar (database versions not stated): gnomAD 0.00005; TOPMed 0.00005; gnomAD exomes 0.00006; ExAC 0.00007; ESP Exome Variant Server 0.00008.
gnomAD v4.1: 93 of 1,611,402 alleles (0.0058%); highest among the groups gnomAD compares: East Asian, 0.0067%; no homozygotes.

Submissions (4):

Labcorp Genetics (formerly Invitae), Labcorp
Classification: Uncertain significance. Last evaluated: 2025-01-02. Review status: criteria provided, single submitter. Criteria: Invitae Variant Classification Sherloc (09022015). Collection method: clinical testing. Allele origin: germline.
Comment: This sequence change replaces arginine, which is basic and polar, with histidine, which is basic and polar, at codon 1240 of the DOCK6 protein (p.Arg1240His). This variant is present in population databases (rs375343165, gnomAD 0.02%). This variant has not been reported in the literature in individuals affected with DOCK6-related conditions. ClinVar contains an entry for this variant (Variation ID: 2629159). Invitae Evidence Modeling of protein sequence and biophysical properties (such as structural, functional, and spatial information, amino acid conservation, physicochemical variation, residue mobility, and thermodynamic stability) indicates that this missense variant is not expected to disrupt DOCK6 protein function with a negative predictive value of 80%. In summary, the available evidence is currently insufficient to determine the role of this variant in disease. Therefore, it has been classified as a Variant of Uncertain Significance.

Ambry Genetics
Classification: Uncertain significance for Inborn genetic diseases. Last evaluated: 2024-06-30. Review status: criteria provided, single submitter. Criteria: Ambry Variant Classification Scheme 2023. Collection method: clinical testing. Allele origin: germline.

Blueprint Genetics
Classification: Uncertain significance. Last evaluated: 2021-08-13. Review status: criteria provided, single submitter. Criteria: ACMG Guidelines, 2015. Collection method: clinical testing. Allele origin: germline.

PreventionGenetics, part of Exact Sciences
Classification: Uncertain significance for DOCK6-related condition. Last evaluated: 2024-02-21. Review status: no assertion criteria provided. Collection method: clinical testing. Allele origin: germline. Not counted in ClinVar's aggregate classification.
Comment: The DOCK6 c.3719G>A variant is predicted to result in the amino acid substitution p.Arg1240His. To our knowledge, this variant has not been reported in the literature. This variant is reported in 0.016% of alleles in individuals of East Asian descent in gnomAD. At this time, the clinical significance of this variant is uncertain due to the absence of conclusive functional and genetic evidence.